The following is an entry in ClinVar:

NM_002292.4(LAMB2):c.4666G>A (p.Ala1556Thr)

Gene: LAMB2 (laminin subunit beta 2; minus strand). Cytogenetic location: 3p21.31.
Variant type: single nucleotide variant.
Coding change: c.4666G>A on transcript NM_002292.4 (MANE Select); coding-DNA position 4666, G replaced by A.
Protein change: p.Ala1556Thr; replaces alanine 1556 with threonine.
Molecular consequence: missense variant.
Genome position (GRCh38, 1-based): chr3:49,122,278, C>T on the plus strand (G>A on the coding strand, the complement: LAMB2 is on the minus strand). VCF-style: chr3-49122278-C-T. GRCh37 (hg19) VCF-style: chr3-49159711-C-T.
Other names: short protein forms A1556T.
Identifiers: ClinVar variation 2144448 (VCV002144448.4), dbSNP rs760983585, ClinGen allele CA2393740.

ClinVar aggregate classification (germline): Uncertain significance (1 of 4 stars; one submission).

Conditions:
Pierson syndrome. Also called: MICROCORIA-CONGENITAL NEPHROTIC SYNDROME. Identifiers: Orphanet 2670, MedGen C1836876, MONDO:0012184, OMIM 609049.
LAMB2-related infantile-onset nephrotic syndrome. Also called: Nephrotic Syndrome, type 5; NEPHROTIC SYNDROME, TYPE 5, WITHOUT OCULAR ABNORMALITIES; NEPHROTIC SYNDROME, TYPE 5, WITH OCULAR ABNORMALITIES. Identifiers: Orphanet 306507, MedGen C3280113, MONDO:0013621, OMIM 614199.

Allele frequency attached by ClinVar (database versions not stated): ExAC 0.00001; gnomAD exomes 0.00001.
gnomAD v4.1: 10 of 1,613,560 alleles (0.00062%); highest among the groups gnomAD compares: Non-Finnish European, 0.00076%; no homozygotes.

Submission:

Labcorp Genetics (formerly Invitae), Labcorp
Classification: Uncertain significance for LAMB2-related infantile-onset nephrotic syndrome; Pierson syndrome. Last evaluated: 2023-11-27. Review status: criteria provided, single submitter. Criteria: Invitae Variant Classification Sherloc (09022015). Collection method: clinical testing. Allele origin: germline.
Comment: This sequence change replaces alanine, which is neutral and non-polar, with threonine, which is neutral and polar, at codon 1556 of the LAMB2 protein (p.Ala1556Thr). This variant is present in population databases (rs760983585, gnomAD 0.003%). This variant has not been reported in the literature in individuals affected with LAMB2-related conditions. ClinVar contains an entry for this variant (Variation ID: 2144448). An algorithm developed to predict the effect of missense changes on protein structure and function (PolyPhen-2) suggests that this variant is likely to be disruptive. In summary, the available evidence is currently insufficient to determine the role of this variant in disease. Therefore, it has been classified as a Variant of Uncertain Significance.